The following is an entry in ClinVar:

ClinVar aggregate classification (germline): Uncertain significance (1 of 4 stars; one submission).

Submission:

CeGaT Center for Human Genetics Tuebingen
Classification: Uncertain significance. Last evaluated: 2023-09-01. Review status: criteria provided, single submitter. Criteria: CeGaT Center For Human Genetics Tuebingen Variant Classification Criteria Version 2. Collection method: clinical testing. Allele origin: germline. Affected: yes. Observed: 1 variant allele.
Comment: USP7: PM4:Supporting

NM_003470.3(USP7):c.165GGA[2] (p.Glu57del)

Gene: USP7 (ubiquitin specific peptidase 7; minus strand). Cytogenetic location: 16p13.2.
Variant type: Microsatellite.
Coding change: c.165GGA[2] on transcript NM_003470.3 (MANE Select); two copies in a row of the 3-base unit GGA starting at c.165; the reference has three copies in a row; one copy, 3 bases deleted.
Protein change: p.Glu57del; deletes glutamic acid 57.
Molecular consequence: inframe deletion. On other transcripts: 5 prime UTR variant (2), non-coding transcript variant (1).
Genome position (GRCh38, 1-based): chr16:8,930,304-8,930,306, TCC deleted on the plus strand (GGA on the coding strand, the reverse complement: USP7 is on the minus strand); deleting any 3 consecutive bases within chr16:8,930,304-8,930,312 gives the same sequence; the position shown is the placement nearest the transcript's 3' end. VCF-style (leftmost placement, unchanged base first): chr16-8930303-GTCC-G. GRCh37 (hg19) VCF-style: chr16-9024160-GTCC-G.
Other names: c.-308GGA[2] (NM_001286458.2); c.-10GGA[2] (NM_001321858.2); c.117GGA[2], p.Glu41del (NM_001286457.2); short protein forms E41del, E57del.
Identifiers: ClinVar variation 2646189 (VCV002646189.24), dbSNP rs758414236, ClinGen allele CA7895819.